The following is an entry in ClinVar:

ClinVar aggregate classification (germline): Benign/Likely benign. Review status: criteria provided, multiple submitters, no conflicts (2 of 4 stars). 3 submissions from 3 submitters: Benign (1); Likely benign (2). Last evaluated 2024-10-30.

Conditions:
Prostate cancer, hereditary, 9 (HPC9). Identifiers: Orphanet 1331, MedGen C1970250, MONDO:0012597, OMIM 610997.
Hereditary cancer-predisposing syndrome. Also called: Hereditary neoplastic syndrome; Hereditary Cancer Syndrome; Tumor predisposition; Neoplastic Syndromes, Hereditary. Identifiers: Orphanet 140162, MedGen C0027672, MeSH D009386, MONDO:0015356.

Submissions (3):

Myriad Genetics, Inc.
Classification: Benign for Prostate cancer, hereditary, 9. Last evaluated: 2024-10-30. Review status: criteria provided, single submitter. Criteria: Myriad Autosomal Dominant, Autosomal Recessive and X-Linked Classification Criteria (2023). Collection method: clinical testing. Allele origin: unknown.
Comment: This variant is considered benign. This variant is a silent/synonymous amino acid change and it is not expected to impact splicing.

Labcorp Genetics (formerly Invitae), Labcorp
Classification: Likely benign. Last evaluated: 2020-11-12. Review status: criteria provided, single submitter. Criteria: Invitae Variant Classification Sherloc (09022015). Collection method: clinical testing. Allele origin: germline.

Ambry Genetics
Classification: Likely benign for Hereditary cancer-predisposing syndrome. Last evaluated: 2020-10-04. Review status: criteria provided, single submitter. Criteria: Ambry Variant Classification Scheme 2023. Collection method: clinical testing. Allele origin: germline.

NM_006361.6(HOXB13):c.486C>G (p.Ser162=)

Gene: HOXB13 (homeobox B13; minus strand). Cytogenetic location: 17q21.32.
Variant type: single nucleotide variant.
Coding change: c.486C>G on transcript NM_006361.6 (MANE Select); coding-DNA position 486, C replaced by G.
Protein change: p.Ser162=; no amino-acid change (serine 162 retained).
Molecular consequence: synonymous variant.
Genome position (GRCh38, 1-based): chr17:48,728,108, G>C on the plus strand (C>G on the coding strand, the complement: HOXB13 is on the minus strand). VCF-style: chr17-48728108-G-C. GRCh37 (hg19) VCF-style: chr17-46805470-G-C.
Identifiers: ClinVar variation 1129370 (VCV001129370.12), dbSNP rs2143071654, ClinGen allele CA500660864.
Genomic context (GRCh38, chr17:48,728,108, plus strand): 5'-CATCTGGCTGTTCCAGCCACCAGCGAGAGCCCAAGACTGGTAACTGTCCACAGGCAACAG[G>C]GAGTCATGTCGCGGTTCTCCAGGAGCACCCAGAGTCTGCACCACAGACACGTCCAGGTAA-3'
Protein context (NP_006352.2, residues 152-172): LGAPGEPRHD[Ser162=]LLPVDSYQSW